The following is an entry in ClinVar:

NM_003966.3(SEMA5A):c.961G>A (p.Val321Ile)

Gene: SEMA5A (semaphorin 5A; minus strand). Cytogenetic location: 5p15.31.
Variant type: single nucleotide variant.
Coding change: c.961G>A on transcript NM_003966.3 (MANE Select); coding-DNA position 961, G replaced by A.
Protein change: p.Val321Ile; replaces valine 321 with isoleucine.
Molecular consequence: missense variant.
Genome position (GRCh38, 1-based): chr5:9,197,275, C>T on the plus strand (G>A on the coding strand, the complement: SEMA5A is on the minus strand). VCF-style: chr5-9197275-C-T. GRCh37 (hg19) VCF-style: chr5-9197387-C-T.
Other names: short protein forms V321I.
Identifiers: ClinVar variation 746567 (VCV000746567.6), dbSNP rs146817742, ClinGen allele CA3196947.

ClinVar aggregate classification (germline): Likely benign. Review status: criteria provided, single submitter (1 of 4 stars). 2 submissions from 2 submitters: Likely benign (1). 1 of the submissions does not count toward it. Last evaluated 2019-12-31.

Conditions:
SEMA5A-related disorder. Also called: SEMA5A-related condition.

Allele frequency attached by ClinVar (database versions not stated): 1000 Genomes Project 30x 0.00078; ESP Exome Variant Server 0.00085; 1000 Genomes Project 0.00100; gnomAD 0.00123 and 0.00128; TOPMed 0.00144.
gnomAD v4.1: 387 of 1,613,956 alleles (0.024%); highest among the groups gnomAD compares: African/African-American, 0.35%; 1 homozygote.

Submissions (2):

Labcorp Genetics (formerly Invitae), Labcorp
Classification: Likely benign. Last evaluated: 2019-12-31. Review status: criteria provided, single submitter. Criteria: Invitae Variant Classification Sherloc (09022015). Collection method: clinical testing. Allele origin: germline.

PreventionGenetics, part of Exact Sciences
Classification: Benign for SEMA5A-related condition. Last evaluated: 2019-04-10. Review status: no assertion criteria provided. Collection method: clinical testing. Allele origin: germline. Not counted in ClinVar's aggregate classification.
Comment: This variant is classified as benign based on ACMG/AMP sequence variant interpretation guidelines (Richards et al. 2015 PMID: 25741868, with internal and published modifications).